The following is an entry in ClinVar:

NM_001843.4(CNTN1):c.2537C>T (p.Ala846Val)

Gene: CNTN1 (contactin 1; plus strand). Cytogenetic location: 12q12.
Variant type: single nucleotide variant.
Coding change: c.2537C>T on transcript NM_001843.4 (MANE Select); coding-DNA position 2537, C replaced by T.
Protein change: p.Ala846Val; replaces alanine 846 with valine.
Molecular consequence: missense variant.
Genome position (GRCh38, 1-based): chr12:41,025,163, C>T. VCF-style: chr12-41025163-C-T. GRCh37 (hg19) VCF-style: chr12-41418965-C-T.
Other names: c.2504C>T, p.Ala835Val (NM_175038.2); short protein forms A835V, A846V.
Identifiers: ClinVar variation 1051677 (VCV001051677.9), dbSNP rs1390271155, ClinGen allele CA384587408.

ClinVar aggregate classification (germline): Uncertain significance (1 of 4 stars; one submission).

Conditions:
Compton-North congenital myopathy (CMYO12). Identifiers: Orphanet 210163, MedGen C2675527, MONDO:0012929, OMIM 612540.

Allele frequency attached by ClinVar (database versions not stated): gnomAD exomes below 0.00001.
gnomAD v4.1: 2 of 1,613,840 alleles (0.00012%); highest among the groups gnomAD compares: Non-Finnish European, 0.00017%; no homozygotes.

Submission:

Labcorp Genetics (formerly Invitae), Labcorp
Classification: Uncertain significance for Compton-North congenital myopathy. Last evaluated: 2020-06-07. Review status: criteria provided, single submitter. Criteria: Invitae Variant Classification Sherloc (09022015). Collection method: clinical testing. Allele origin: germline.
Comment: Algorithms developed to predict the effect of missense changes on protein structure and function (SIFT, PolyPhen-2, Align-GVGD) all suggest that this variant is likely to be tolerated, but these predictions have not been confirmed by published functional studies and their clinical significance is uncertain. In summary, the available evidence is currently insufficient to determine the role of this variant in disease. Therefore, it has been classified as a Variant of Uncertain Significance. This variant has not been reported in the literature in individuals with CNTN1-related conditions. This sequence change replaces alanine with valine at codon 846 of the CNTN1 protein (p.Ala846Val). The alanine residue is highly conserved and there is a small physicochemical difference between alanine and valine. This variant is not present in population databases (ExAC no frequency).